The following is an entry in ClinVar:

ClinVar aggregate classification (germline): Uncertain significance (1 of 4 stars; one submission).

Conditions:
Arrhythmogenic right ventricular dysplasia 9 (ARVD9). Also called: ARRHYTHMOGENIC RIGHT VENTRICULAR DYSPLASIA, FAMILIAL, 9; Arrhythmogenic Right Ventricular Dysplasia/Cardiomyopathy 9. Identifiers: MedGen C1836906, MONDO:0012180, OMIM 609040.

Allele frequency attached by ClinVar (database versions not stated): TOPMed 0.00001.
gnomAD v4.1: 1 of 1,614,122 alleles (0.000062%); highest among the groups gnomAD compares: African/African-American, 0.0013%; no homozygotes.

Submission:

Labcorp Genetics (formerly Invitae), Labcorp
Classification: Uncertain significance for Arrhythmogenic right ventricular dysplasia 9. Last evaluated: 2017-12-31. Review status: criteria provided, single submitter. Criteria: Invitae Variant Classification Sherloc (09022015). Collection method: clinical testing. Allele origin: germline.
Comment: In summary, the available evidence is currently insufficient to determine the role of this variant in disease. Therefore, it has been classified as a Variant of Uncertain Significance. Algorithms developed to predict the effect of missense changes on protein structure and function (SIFT, PolyPhen-2, Align-GVGD) all suggest that this variant is likely to be tolerated, but these predictions have not been confirmed by published functional studies and their clinical significance is uncertain. This variant has not been reported in the literature in individuals with PKP2-related disease. This variant is not present in population databases (ExAC no frequency). This sequence change replaces proline with threonine at codon 306 of the PKP2 protein (p.Pro306Thr). The proline residue is weakly conserved and there is a small physicochemical difference between proline and threonine.

NM_001005242.3(PKP2):c.916C>A (p.Pro306Thr)

Gene: PKP2 (plakophilin 2; minus strand). Cytogenetic location: 12p11.21.
Variant type: single nucleotide variant.
Coding change: c.916C>A on transcript NM_001005242.3 (MANE Select); coding-DNA position 916, C replaced by A.
Protein change: p.Pro306Thr; replaces proline 306 with threonine.
Molecular consequence: missense variant.
Genome position (GRCh38, 1-based): chr12:32,877,964, G>T on the plus strand (C>A on the coding strand, the complement: PKP2 is on the minus strand). VCF-style: chr12-32877964-G-T. GRCh37 (hg19) VCF-style: chr12-33030898-G-T.
Other names: c.916C>A, p.Pro306Thr (NM_004572.4); short protein forms P306T.
Identifiers: ClinVar variation 1003197 (VCV001003197.8), dbSNP rs1209340253, ClinGen allele CA384362034.